The following is an entry in ClinVar:

ClinVar aggregate classification (germline): Uncertain significance (1 of 4 stars; one submission).

Allele frequency attached by ClinVar (database versions not stated): gnomAD exomes below 0.00001.
gnomAD v4.1: 6 of 1,614,012 alleles (0.00037%); highest among the groups gnomAD compares: South Asian, 0.0066%; no homozygotes.

Submission:

Labcorp Genetics (formerly Invitae), Labcorp
Classification: Uncertain significance. Last evaluated: 2022-03-04. Review status: criteria provided, single submitter. Criteria: Invitae Variant Classification Sherloc (09022015). Collection method: clinical testing. Allele origin: germline.
Comment: In summary, the available evidence is currently insufficient to determine the role of this variant in disease. Therefore, it has been classified as a Variant of Uncertain Significance. Algorithms developed to predict the effect of missense changes on protein structure and function are either unavailable or do not agree on the potential impact of this missense change (SIFT: "Deleterious"; PolyPhen-2: "Possibly Damaging"; Align-GVGD: "Class C0"). This variant has not been reported in the literature in individuals affected with NEK2-related conditions. This variant is present in population databases (no rsID available, gnomAD 0.003%). This sequence change replaces glutamic acid, which is acidic and polar, with lysine, which is basic and polar, at codon 90 of the NEK2 protein (p.Glu90Lys).

NM_002497.4(NEK2):c.268G>A (p.Glu90Lys)

Gene: NEK2 (NIMA related kinase 2; minus strand). Cytogenetic location: 1q32.3.
Variant type: single nucleotide variant.
Coding change: c.268G>A on transcript NM_002497.4 (MANE Select); coding-DNA position 268, G replaced by A.
Protein change: p.Glu90Lys; replaces glutamic acid 90 with lysine.
Molecular consequence: missense variant.
Genome position (GRCh38, 1-based): chr1:211,674,342, C>T on the plus strand (G>A on the coding strand, the complement: NEK2 is on the minus strand). VCF-style: chr1-211674342-C-T. GRCh37 (hg19) VCF-style: chr1-211847684-C-T.
Other names: c.268G>A, p.Glu90Lys (NM_001204182.2, NM_001204183.2); short protein forms E90K.
Identifiers: ClinVar variation 1364010 (VCV001364010.8), dbSNP rs1376025508, ClinGen allele CA344784855.
Genomic context (GRCh38, chr1:211,674,342, plus strand): 5'-AAGATTATGCTTACCTTTCCTTGGTTCCCTTTGTAATTACACTAGCCAGATCCCCTCCTT[C>T]ACAATATTCCATTACAATGTACAGTGTTGTATTGGTCCGGTCAATAATCCGATCATAGTA-3'
Protein context (NP_002488.1, residues 80-100): TTLYIVMEYC[Glu90Lys]GGDLASVITK